The following is an entry in ClinVar:

ClinVar aggregate classification (germline): Likely benign (1 of 4 stars; one submission).

Allele frequency attached by ClinVar (database versions not stated): gnomAD exomes below 0.00001.
gnomAD v4.1: 1 of 1,614,174 alleles (0.000062%); highest among the groups gnomAD compares: Non-Finnish European, 0.000085%; no homozygotes.

Submission:

CeGaT Center for Human Genetics Tuebingen
Classification: Likely benign. Last evaluated: 2022-07-01. Review status: criteria provided, single submitter. Criteria: CeGaT Center For Human Genetics Tuebingen Variant Classification Criteria Version 2. Collection method: clinical testing. Allele origin: germline. Affected: yes. Observed: 1 variant allele.
Comment: DYNC1H1: PM2:Supporting, BP4, BP7

NM_001376.5(DYNC1H1):c.5004G>A (p.Glu1668=)

Gene: DYNC1H1 (dynein cytoplasmic 1 heavy chain 1; plus strand). Cytogenetic location: 14q32.31.
Variant type: single nucleotide variant.
Coding change: c.5004G>A on transcript NM_001376.5 (MANE Select); coding-DNA position 5004, G replaced by A.
Protein change: p.Glu1668=; no amino-acid change (glutamic acid 1668 retained).
Molecular consequence: synonymous variant.
Genome position (GRCh38, 1-based): chr14:102,004,638, G>A. VCF-style: chr14-102004638-G-A. GRCh37 (hg19) VCF-style: chr14-102470975-G-A.
Identifiers: ClinVar variation 2644562 (VCV002644562.24), dbSNP rs2503738337, ClinGen allele CA488184179.